The following is an entry in ClinVar:

ClinVar aggregate classification (germline): Uncertain significance. Review status: criteria provided, multiple submitters, no conflicts (2 of 4 stars). 2 submissions from 2 submitters: Uncertain significance (2). Last evaluated 2026-01-27.

Allele frequency attached by ClinVar (database versions not stated): gnomAD 0.00002 and 0.00003; gnomAD exomes 0.00004 and 0.00002; ExAC 0.00003; TOPMed 0.00002; ESP Exome Variant Server 0.00008; 1000 Genomes Project 30x 0.00016; 1000 Genomes Project 0.00020.
gnomAD v4.1: 55 of 1,614,208 alleles (0.0034%); highest among the groups gnomAD compares: South Asian, 0.014%; no homozygotes.

Submissions (2):

Labcorp Genetics (formerly Invitae), Labcorp
Classification: Uncertain significance. Last evaluated: 2026-01-27. Review status: criteria provided, single submitter. Criteria: Invitae Variant Classification Sherloc (09022015). Collection method: clinical testing. Allele origin: germline.
Comment: This sequence change replaces aspartic acid, which is acidic and polar, with asparagine, which is neutral and polar, at codon 248 of the LRRC10 protein (p.Asp248Asn). This variant is present in population databases (rs373847240, gnomAD 0.01%). This variant has not been reported in the literature in individuals affected with LRRC10-related conditions. ClinVar contains an entry for this variant (Variation ID: 847655). An algorithm developed to predict the effect of missense changes on protein structure and function (PolyPhen-2) suggests that this variant is likely to be tolerated. In summary, the available evidence is currently insufficient to determine the role of this variant in disease. Therefore, it has been classified as a Variant of Uncertain Significance.

Ambry Genetics
Classification: Uncertain significance. Last evaluated: 2025-01-20. Review status: criteria provided, single submitter. Criteria: Ambry Variant Classification Scheme 2023. Collection method: clinical testing. Allele origin: germline.

NM_201550.4(LRRC10):c.742G>A (p.Asp248Asn)

Gene: LRRC10 (leucine rich repeat containing 10; minus strand). Cytogenetic location: 12q15.
Variant type: single nucleotide variant.
Coding change: c.742G>A on transcript NM_201550.4 (MANE Select); coding-DNA position 742, G replaced by A.
Protein change: p.Asp248Asn; replaces aspartic acid 248 with asparagine.
Molecular consequence: missense variant.
Genome position (GRCh38, 1-based): chr12:69,610,097, C>T on the plus strand (G>A on the coding strand, the complement: LRRC10 is on the minus strand). VCF-style: chr12-69610097-C-T. GRCh37 (hg19) VCF-style: chr12-70003877-C-T.
Other names: c.742G>A (NM_201550.2); short protein forms D248N.
Identifiers: ClinVar variation 847655 (VCV000847655.11), dbSNP rs373847240, ClinGen allele CA6681006.